The following is an entry in ClinVar:

ClinVar aggregate classification (germline): Uncertain significance. Review status: criteria provided, multiple submitters, no conflicts (2 of 4 stars). 2 submissions from 2 submitters: Uncertain significance (2). Last evaluated 2024-03-28.

Conditions:
Hereditary cancer-predisposing syndrome. Also called: Neoplastic Syndromes, Hereditary; Hereditary Cancer Syndrome; Tumor predisposition; Hereditary neoplastic syndrome. Identifiers: Orphanet 140162, MedGen C0027672, MeSH D009386, MONDO:0015356.

Allele frequency attached by ClinVar (database versions not stated): gnomAD exomes below 0.00001; ExAC 0.00001; gnomAD 0.00001; TOPMed 0.00001.
gnomAD v4.1: 4 of 1,613,796 alleles (0.00025%); highest among the groups gnomAD compares: East Asian, 0.0022%; no homozygotes.

Submissions (2):

GeneDx
Classification: Uncertain significance. Last evaluated: 2024-03-28. Review status: criteria provided, single submitter. Criteria: GeneDx Variant Classification Process June 2021. Collection method: clinical testing. Allele origin: germline. Affected: yes.
Comment: Not observed at significant frequency in large population cohorts (gnomAD); In silico analysis supports that this missense variant does not alter protein structure/function; Has not been previously published as pathogenic or benign to our knowledge; This variant is associated with the following publications: (PMID: 20951805)

Ambry Genetics
Classification: Uncertain significance for Hereditary cancer-predisposing syndrome. Last evaluated: 2022-11-14. Review status: criteria provided, single submitter. Criteria: Ambry Variant Classification Scheme 2023. Collection method: clinical testing. Allele origin: germline.
Comment: The p.V973I variant (also known as c.2917G>A), located in coding exon 25 of the POLE gene, results from a G to A substitution at nucleotide position 2917. The valine at codon 973 is replaced by isoleucine, an amino acid with highly similar properties. This amino acid position is conserved. In addition, this alteration is predicted to be tolerated by in silico analysis. Since supporting evidence is limited at this time, the clinical significance of this alteration remains unclear.

NM_006231.4(POLE):c.2917G>A (p.Val973Ile)

Gene: POLE (DNA polymerase epsilon, catalytic subunit; minus strand). Cytogenetic location: 12q24.33.
Variant type: single nucleotide variant.
Coding change: c.2917G>A on transcript NM_006231.4 (MANE Select); coding-DNA position 2917, G replaced by A.
Protein change: p.Val973Ile; replaces valine 973 with isoleucine.
Molecular consequence: missense variant.
Genome position (GRCh38, 1-based): chr12:132,661,112, C>T on the plus strand (G>A on the coding strand, the complement: POLE is on the minus strand). VCF-style: chr12-132661112-C-T. GRCh37 (hg19) VCF-style: chr12-133237698-C-T.
Other names: short protein forms V973I.
Identifiers: ClinVar variation 2447914 (VCV002447914.3), dbSNP rs764690414, ClinGen allele CA6893404.
Genomic context (GRCh38, chr12:132,661,112, plus strand): 5'-AGGCCTCAAACACCGAGGATTGGAAGATCTTAATCAGCTGCAGTTCCCCGCGGCGTTTGA[C>T]CTCAAAGCCCTTGAGCTCAGCCAGAGAACCGTCTTCATTGAACACAGCATACCTGAAAAA-3'
Protein context (NP_006222.2, residues 963-983): GSLAELKGFE[Val973Ile]KRRGELQLIK